The following is an entry in ClinVar:

NM_004064.5(CDKN1B):c.409C>A (p.Pro137Thr)

Gene: CDKN1B (cyclin dependent kinase inhibitor 1B; plus strand). Cytogenetic location: 12p13.1.
Variant type: single nucleotide variant.
Coding change: c.409C>A on transcript NM_004064.5 (MANE Select); coding-DNA position 409, C replaced by A.
Protein change: p.Pro137Thr; replaces proline 137 with threonine.
Molecular consequence: missense variant.
Genome position (GRCh38, 1-based): chr12:12,718,248, C>A. VCF-style: chr12-12718248-C-A. GRCh37 (hg19) VCF-style: chr12-12871182-C-A.
Other names: short protein forms P137T.
Identifiers: ClinVar variation 4868632 (VCV004868632.1).

ClinVar aggregate classification (germline): Uncertain significance (1 of 4 stars; one submission).

Conditions:
Hereditary cancer-predisposing syndrome. Also called: Neoplastic Syndromes, Hereditary; Tumor predisposition; Hereditary Cancer Syndrome; Hereditary neoplastic syndrome. Identifiers: Orphanet 140162, MedGen C0027672, MeSH D009386, MONDO:0015356.

Submission:

Ambry Genetics
Classification: Uncertain significance for Hereditary cancer-predisposing syndrome. Last evaluated: 2026-05-21. Review status: criteria provided, single submitter. Criteria: Ambry Variant Classification Scheme 2023. Collection method: clinical testing. Allele origin: germline.
Comment: The p.P137T variant (also known as c.409C>A), located in coding exon 1 of the CDKN1B gene, results from a C to A substitution at nucleotide position 409. The proline at codon 137 is replaced by threonine, an amino acid with highly similar properties. This amino acid position is conserved. In addition, this alteration is predicted to be tolerated by in silico analysis. Based on the available evidence, the clinical significance of this variant remains unclear.